The following is an entry in ClinVar:

NM_012448.4(STAT5B):c.650G>A (p.Arg217His)

Gene: STAT5B (signal transducer and activator of transcription 5B; minus strand). Cytogenetic location: 17q21.2.
Variant type: single nucleotide variant.
Coding change: c.650G>A on transcript NM_012448.4 (MANE Select); coding-DNA position 650, G replaced by A.
Protein change: p.Arg217His; replaces arginine 217 with histidine.
Molecular consequence: missense variant.
Genome position (GRCh38, 1-based): chr17:42,219,743, C>T on the plus strand (G>A on the coding strand, the complement: STAT5B is on the minus strand). VCF-style: chr17-42219743-C-T. GRCh37 (hg19) VCF-style: chr17-40371761-C-T.
Other names: short protein forms R217H.
Identifiers: ClinVar variation 658399 (VCV000658399.11), dbSNP rs200900246, ClinGen allele CA8574222.

ClinVar aggregate classification (germline): Uncertain significance (1 of 4 stars; one submission).

Conditions:
Growth hormone insensitivity with immune dysregulation 1, autosomal recessive. Also called: GROWTH HORMONE INSENSITIVITY DUE TO POSTRECEPTOR DEFECT; LARON SYNDROME DUE TO POSTRECEPTOR DEFECT; Laron syndrome with immunodeficiency; GROWTH HORMONE INSENSITIVITY SYNDROME WITH IMMUNE DYSREGULATION 1, AUTOSOMAL RECESSIVE. Identifiers: Orphanet 220465, MedGen C5435698, MONDO:0100211, OMIM 245590.

Allele frequency attached by ClinVar (database versions not stated): gnomAD 0.00001; gnomAD exomes 0.00001 and 0.00002; ExAC 0.00003; TOPMed 0.00003.
gnomAD v4.1: 10 of 1,608,656 alleles (0.00062%); highest among the groups gnomAD compares: Admixed American, 0.0017%; no homozygotes.

Submission:

Labcorp Genetics (formerly Invitae), Labcorp
Classification: Uncertain significance for Growth hormone insensitivity with immune dysregulation 1, autosomal recessive. Last evaluated: 2019-08-02. Review status: criteria provided, single submitter. Criteria: Invitae Variant Classification Sherloc (09022015). Collection method: clinical testing. Allele origin: germline.
Comment: This sequence change replaces arginine with histidine at codon 217 of the STAT5B protein (p.Arg217His). The arginine residue is highly conserved and there is a small physicochemical difference between arginine and histidine. In summary, the available evidence is currently insufficient to determine the role of this variant in disease. Therefore, it has been classified as a Variant of Uncertain Significance. Algorithms developed to predict the effect of missense changes on protein structure and function are either unavailable or do not agree on the potential impact of this missense change (SIFT: "Deleterious"; PolyPhen-2: "Probably Damaging"; Align-GVGD: "Class C0"). This variant has not been reported in the literature in individuals with STAT5B-related disease. The frequency data for this variant in the population databases is considered unreliable, as metrics indicate poor data quality at this position in the ExAC database.